The following is an entry in ClinVar:

NM_052989.3(IFT122):c.916_917del (p.Leu306fs)

Gene: IFT122 (intraflagellar transport 122; plus strand). Cytogenetic location: 3q21.3.
Variant type: Microsatellite.
Coding change: c.916_917del on transcript NM_052989.3 (MANE Select); coding-DNA positions 916 to 917, 2 bases deleted (CT; older notation c.916_917delCT).
Protein change: p.Leu306fs; shifts the reading frame from leucine 306.
Molecular consequence: frameshift variant.
Genome position (GRCh38, 1-based): chr3:129,476,414-129,476,415, CT deleted; deleting any 2 consecutive bases within chr3:129,476,411-129,476,415 gives the same sequence; the c. name uses the placement nearest the transcript's 3' end. VCF-style (leftmost placement, unchanged base first): chr3-129476410-ATC-A. GRCh37 (hg19) VCF-style: chr3-129195253-ATC-A.
Other names: c.892_893del, p.Leu298fs (NM_001280541.2); c.466_467del, p.Leu156fs (NM_001280545.2); c.289_290del, p.Leu97fs (NM_001280546.2); c.916_917del, p.Leu306fs (NM_001410808.1, NM_001410809.1); c.739_740del, p.Leu247fs (NM_001410810.1, NM_001410811.1, NM_001410813.1 and 1 more transcripts); c.583_584del, p.Leu195fs (NM_001410815.1, NM_001410817.1, NM_052990.3); c.1069_1070del, p.Leu357fs (NM_052985.4); short protein forms L156fs, L195fs, L247fs, L357fs, L298fs, L97fs, L306fs.
Identifiers: ClinVar variation 2916552 (VCV002916552.4), dbSNP rs2531744619, ClinGen allele CA2739279478.
Genomic context (GRCh38, chr3:129,476,410, plus strand): 5'-CTGCATCAGCTACTTTACTAAAGGCGAGTACATTTTGCTGGGGGGTTCAGACAAGCAAGT[ATC>A]TCTTTTCACCAAGGATGGAGTGCGGCTTGGGACTGTTGGGGAGCAGAACTCCTGGGTGTG-3'

ClinVar aggregate classification (germline): Pathogenic/Likely pathogenic. Review status: criteria provided, multiple submitters, no conflicts (2 of 4 stars). 2 submissions from 2 submitters: Pathogenic (1); Likely pathogenic (1). Last evaluated 2024-05-20.

Conditions:
Cranioectodermal dysplasia 1 (CED1). Also called: LEVIN SYNDROME I. Identifiers: Orphanet 1515, MedGen C0432235, MONDO:0021093, OMIM 218330.

Submissions (2):

Fulgent Genetics
Classification: Likely pathogenic for Cranioectodermal dysplasia 1. Last evaluated: 2024-05-20. Review status: criteria provided, single submitter. Criteria: ACMG Guidelines, 2015. Collection method: clinical testing. Allele origin: germline.

Labcorp Genetics (formerly Invitae), Labcorp
Classification: Pathogenic for Cranioectodermal dysplasia 1. Last evaluated: 2024-04-04. Review status: criteria provided, single submitter. Criteria: Invitae Variant Classification Sherloc (09022015). Collection method: clinical testing. Allele origin: germline.
Comment: This sequence change creates a premature translational stop signal (p.Leu357Phefs*62) in the IFT122 gene. It is expected to result in an absent or disrupted protein product. Loss-of-function variants in IFT122 are known to be pathogenic (PMID: 20493458, 23826986, 26792575). This variant is not present in population databases (gnomAD no frequency). This variant has not been reported in the literature in individuals affected with IFT122-related conditions. For these reasons, this variant has been classified as Pathogenic.

Literature cited by the submitters: PubMed 20493458 (cited by Labcorp Genetics (formerly Invitae), Labcorp); PubMed 23826986 (cited by Labcorp Genetics (formerly Invitae), Labcorp); PubMed 26792575 (cited by Labcorp Genetics (formerly Invitae), Labcorp).